The following is an entry in ClinVar:

ClinVar aggregate classification (germline): Pathogenic (0 of 4 stars; one submission).

Conditions:
Steinert myotonic dystrophy syndrome (DM1). Also called: STEINERT DISEASE; Myotonic dystrophy type 1; Dystrophia myotonica type 1; Steinert myotonic dystrophy; Steinert's disease. Identifiers: Orphanet 273, MedGen C3250443, MONDO:0008056, OMIM 160900.

Submission:

Institute of Molecular, Cell and Systems Biology, University of Glasgow
Classification: Pathogenic for Steinert myotonic dystrophy syndrome. Review status: no assertion criteria provided. Criteria: research. Collection method: research. Allele origin: germline. Inheritance: Autosomal dominant inheritance. Affected: yes. Observed: 1 heterozygote.
Comment: DMPK CTG repeat expansions greater than approximately 45-50 repeats are assumed to be pathogenic

This record is based on data published in PubMed 25052313, which reports only ClinVar accessions SCV000120188 and SCV000120189. The complete data set includes SCV000207445 - SCV000207579.

Literature cited by the submitters: PubMed 1346923; PubMed 1546326; PubMed 25052313.

NM_004409.5(DMPK):c.*224CTG[127]

Genes: DM1-AS (DM1 locus antisense RNA; plus strand), DMPK (DM1 protein kinase; minus strand), LOC107075317 (origin of replication in DMPK trinucleotide repeat region; plus strand), LOC109461477 (dystrophia myotonica protein kinase repeat instability region; plus strand). Cytogenetic location: 19q13.32.
Variant type: Microsatellite.
Coding change: c.*224CTG[127] on transcript NM_004409.5 (MANE Select); 127 copies in a row of the 3-base unit CTG starting at c.*224.
Molecular consequence: 3 prime UTR variant.
Genome position: GRCh38, VCF-style position (the base before the change): chr19:45,770,204. GRCh37 (hg19), VCF-style position (the base before the change): chr19:46,273,462.
Other names: DM1 CTG repeat expansion; c.*224CTG[127] (NM_001081560.3, NM_001288764.2, NM_001424165.1 and 1 more transcripts); c.*217CTG[127] (NM_001081562.3, NM_001288765.2, NM_001424162.1 and 2 more transcripts); c.*222_*224TGC[127] (NM_001081563.3); c.*369CTG[127] (NM_001288766.2, NM_001424164.1, NM_001424168.1).
Identifiers: ClinVar variation 187918 (VCV000187918.2), ClinGen allele CA915951714.